The following is an entry in ClinVar:

ClinVar aggregate classification (germline): Pathogenic/Likely pathogenic. Review status: criteria provided, multiple submitters, no conflicts (2 of 4 stars). 2 submissions from 2 submitters: Pathogenic (1); Likely pathogenic (1). Last evaluated 2024-07-01.

Conditions:
Neuronal ceroid lipofuscinosis 7 (CLN7). Also called: MFSD8-Related Neuronal Ceroid-Lipofuscinosis. Identifiers: Orphanet 168491, Orphanet 228366, MedGen C1838571, MONDO:0012588, OMIM 610951.

Submissions (2):

Labcorp Genetics (formerly Invitae), Labcorp
Classification: Pathogenic for Neuronal ceroid lipofuscinosis 7. Last evaluated: 2024-07-01. Review status: criteria provided, single submitter. Criteria: Invitae Variant Classification Sherloc (09022015). Collection method: clinical testing. Allele origin: germline.
Comment: This sequence change creates a premature translational stop signal (p.Gly197Valfs*2) in the MFSD8 gene. It is expected to result in an absent or disrupted protein product. Loss-of-function variants in MFSD8 are known to be pathogenic (PMID: 19177532, 25227500, 28586915). This variant is not present in population databases (gnomAD no frequency). This premature translational stop signal has been observed in individual(s) with MFSD8-related conditions (PMID: 31721179). ClinVar contains an entry for this variant (Variation ID: 817791). For these reasons, this variant has been classified as Pathogenic.

GeneDx
Classification: Likely pathogenic. Last evaluated: 2018-09-04. Review status: criteria provided, single submitter. Criteria: GeneDx Variant Classification (06012015). Collection method: clinical testing. Allele origin: germline. Affected: yes.
Comment: The c.590delG variant has not been published as a pathogenic variant, nor has it been reported as a benign variant to our knowledge. The c.590delG variant in the MFSD8 gene causes a frameshift starting with codon Glycine 197, changes this amino acid to a Valine residue and creates a premature Stop codon at position 2 of the new reading frame, denoted p.Gly197ValfsX2. This pathogenic variant is predicted to cause loss of normal protein function either through protein truncation or nonsense-mediated mRNA decay. The c.590delG variant is not observed in large population cohorts (Lek et al., 2016). The c.590delG variant is considered a pathogenic variant.

Literature cited by the submitters: PubMed 19177532 (cited by Labcorp Genetics (formerly Invitae), Labcorp); PubMed 25227500 (cited by Labcorp Genetics (formerly Invitae), Labcorp); PubMed 28586915 (cited by Labcorp Genetics (formerly Invitae), Labcorp); PubMed 31721179 (cited by Labcorp Genetics (formerly Invitae), Labcorp).

NM_001371596.2(MFSD8):c.590del (p.Gly197fs)

Gene: MFSD8 (major facilitator superfamily domain containing 8; minus strand). Cytogenetic location: 4q28.2.
Variant type: Deletion.
Coding change: c.590del on transcript NM_001371596.2 (MANE Select); coding-DNA position 590, one base deleted (G; older notation c.590delG).
Protein change: p.Gly197fs; shifts the reading frame from glycine 197.
Molecular consequence: frameshift variant. On other transcripts: intron variant (5).
Genome position (GRCh38, 1-based): chr4:127,939,961, C deleted on the plus strand (G on the coding strand, the reverse complement: MFSD8 is on the minus strand); the first of 2 consecutive C bases (chr4:127,939,961-127,939,962); deleting either gives the same sequence. VCF-style (leftmost placement, unchanged base first): chr4-127939960-AC-A. GRCh37 (hg19) VCF-style: chr4-128861115-AC-A.
Other names: c.455del, p.Gly152fs (NM_001371590.2); c.590del, p.Gly197fs (NM_001371591.2, NM_152778.4); c.596del, p.Gly199fs (NM_001371592.2); c.476del, p.Gly159fs (NM_001371593.2, NM_001410766.1); c.419-1125del (NM_001371595.1); c.304+3791del (NM_001410765.1); c.439+3791del (NM_001363521.3); c.553+2084del (NM_001363520.3); and 1 more; short protein forms G159fs, G197fs, G199fs, G152fs.
Identifiers: ClinVar variation 817791 (VCV000817791.8), dbSNP rs776253867, ClinGen allele CA3077427.